The following is an entry in ClinVar:

NM_001142966.3(GREB1L):c.3781G>A (p.Asp1261Asn)

Gene: GREB1L (GREB1 like retinoic acid receptor coactivator; plus strand). Cytogenetic location: 18q11.2.
Variant type: single nucleotide variant.
Coding change: c.3781G>A on transcript NM_001142966.3 (MANE Select); coding-DNA position 3781, G replaced by A.
Protein change: p.Asp1261Asn; replaces aspartic acid 1261 with asparagine.
Molecular consequence: missense variant.
Genome position (GRCh38, 1-based): chr18:21,500,118, G>A. VCF-style: chr18-21500118-G-A. GRCh37 (hg19) VCF-style: chr18-19080079-G-A.
Other names: c.3910G>A, p.Asp1304Asn (NM_001410867.1); c.3454G>A, p.Asp1152Asn (NM_001410868.1); short protein forms D1152N, D1261N, D1304N.
Identifiers: ClinVar variation 2634870 (VCV002634870.6), dbSNP rs528385688, ClinGen allele CA8906608.

ClinVar aggregate classification (germline): Conflicting classifications of pathogenicity. Review status: criteria provided, conflicting classifications (1 of 4 stars). 3 submissions from 3 submitters: Uncertain significance (2); Likely benign (1). Last evaluated 2026-02-01.

Conditions:
GREB1L-related disorder. Also called: GREB1L-related condition.

Allele frequency attached by ClinVar (database versions not stated): TOPMed below 0.00001; gnomAD 0.00003; 1000 Genomes Project 30x 0.00031; 1000 Genomes Project 0.00040; ExAC 0.00042.
gnomAD v4.1: 39 of 1,551,686 alleles (0.0025%); highest among the groups gnomAD compares: South Asian, 0.037%; no homozygotes.

Submissions (3):

CeGaT Center for Human Genetics Tuebingen
Classification: Uncertain significance. Last evaluated: 2026-02-01. Review status: criteria provided, single submitter. Criteria: CeGaT Center For Human Genetics Tuebingen Variant Classification Criteria Version 2. Collection method: clinical testing. Allele origin: germline. Affected: yes. Observed: 1 variant allele.

Blueprint Genetics
Classification: Likely benign. Last evaluated: 2024-04-29. Review status: criteria provided, single submitter. Criteria: ACMG Guidelines, 2015. Collection method: clinical testing. Allele origin: germline.

PreventionGenetics, part of Exact Sciences
Classification: Uncertain significance for GREB1L-related condition. Last evaluated: 2023-07-21. Review status: criteria provided, single submitter. Criteria: ACMG Guidelines, 2015. Collection method: clinical testing. Allele origin: germline.
Comment: The GREB1L c.3781G>A variant is predicted to result in the amino acid substitution p.Asp1261Asn. To our knowledge, this variant has not been reported in the literature. This variant is reported in 0.057% of alleles in individuals of South Asian descent in gnomAD, which may be too high to be an unreported primary cause of disease. Although we suspect GREB1L c.3781G>A (p.Asp1261Asn) may be benign, the clinical significance of this variant is currently classified as uncertain due to the absence of conclusive functional and genetic evidence.